The following is an entry in ClinVar:

NM_006567.5(FARS2):c.1217+6135A>G

Gene: FARS2 (phenylalanyl-tRNA synthetase 2, mitochondrial; plus strand). Cytogenetic location: 6p25.1.
Variant type: single nucleotide variant.
Coding change: c.1217+6135A>G on transcript NM_006567.5 (MANE Select); 6135 bases into the intron after coding-DNA position 1217, A replaced by G.
Molecular consequence: intron variant.
Genome position (GRCh38, 1-based): chr6:5,619,455, A>G. VCF-style: chr6-5619455-A-G. GRCh37 (hg19) VCF-style: chr6-5619688-A-G.
Other names: c.1217+6135A>G (NM_001374878.1, NM_001318872.2, NM_001374877.1 and 4 more transcripts); c.1085+6135A>G (NM_001375258.1); c.521+6135A>G (NM_001375260.1, NM_001375259.1).
Identifiers: ClinVar variation 3256817 (VCV003256817.2).

ClinVar aggregate classification (germline): Benign (1 of 4 stars; one submission).

gnomAD v4.1: 24,967 of 152,002 alleles (16%); highest among the groups gnomAD compares: South Asian, 20%; 2,175 homozygotes.

Submission:

Unidad de Genómica Garrahan, Hospital de Pediatría Garrahan
Classification: Benign. Last evaluated: 2024-07-31. Review status: criteria provided, single submitter. Criteria: ACMG Guidelines, 2015. Collection method: clinical testing. Allele origin: germline. Affected: no. Observed: 28 variant alleles.
Comment: This variant is classified as Benign based on local population frequency. This variant was detected in 30% of patients studied in a panel designed for Epileptic and Developmental Encephalopathy, Progressive Myoclonus Epilepsy and Abnormal Movements and Neurodegeneration with brain iron accumulation. Number of patients: 28. Only high quality variants are reported.